The following is an entry in ClinVar:

ClinVar aggregate classification (germline): Pathogenic (1 of 4 stars; one submission).

Conditions:
Sotos syndrome (SOTOS). Also called: Distinctive facial appearance, overgrowth in childhood, and learning disabilities or delayed development; CHROMOSOME 5q35 DELETION SYNDROME; SOTOS SYNDROME 1; CEREBRAL GIGANTISM; Sotos' syndrome. Identifiers: Orphanet 821, MedGen C0175695, MONDO:0019349, OMIM 117550.

Submission:

Genos
Classification: Pathogenic for Sotos syndrome. Last evaluated: 2026-05-17. Review status: criteria provided, single submitter. Criteria: ACMG Guidelines, 2015. Collection method: clinical testing. Allele origin: unknown. Inheritance: Autosomal dominant inheritance. Affected: yes. Observed: 1 variant allele, 1 heterozygote.
Comment: The NSD1 variant NM_022455.5:c.1587del, p.(Pro530GlnfsTer6), is predicted to cause a frameshift resulting in a premature termination codon and likely nonsense-mediated mRNA decay. The variant is absent from the gnomAD v4.1.1 population database. Therefore, the variant was classified as pathogenic according to ACMG/AMP criteria: PVS1, PM2, and PP4.

NM_022455.5(NSD1):c.1587del (p.Pro530fs)

Gene: NSD1 (nuclear receptor binding SET domain protein 1; plus strand). Cytogenetic location: 5q35.3.
Variant type: Deletion.
Coding change: c.1587del on transcript NM_022455.5 (MANE Select); coding-DNA position 1587, one base deleted (T; older notation c.1587delT).
Protein change: p.Pro530fs; shifts the reading frame from proline 530.
Molecular consequence: frameshift variant.
Genome position (GRCh38, 1-based): chr5:177,209,986, T deleted; the last of 2 consecutive T bases (chr5:177,209,985-177,209,986); deleting either gives the same sequence. VCF-style (leftmost placement, unchanged base first): chr5-177209984-AT-A. GRCh37 (hg19) VCF-style: chr5-176636985-AT-A.
Other names: c.714del, p.Pro239fs (NM_001365684.2, NM_001409306.1, NM_001409307.1 and 3 more transcripts); c.1587del, p.Pro530fs (NM_001409301.1, NM_001409302.1, NM_001409303.1); c.1167del, p.Pro390fs (NM_001409304.1); c.834del, p.Pro279fs (NM_001409305.1); short protein forms P239fs, P279fs, P390fs, P530fs.
Identifiers: ClinVar variation 4851301 (VCV004851301.1).